The following is an entry in ClinVar:

ClinVar aggregate classification (germline): Likely pathogenic (1 of 4 stars; one submission).

Submission:

GeneDx
Classification: Likely pathogenic. Last evaluated: 2016-08-31. Review status: criteria provided, single submitter. Criteria: GeneDx Variant Classification (06012015). Collection method: clinical testing. Allele origin: germline. Affected: yes.
Comment: The I337T variant in the COLQ gene has been reported previously in the homozygous state in two individuals from different branches of a consanguineous Syrian family who had variable features of congenital myasthenic syndrome (Matlik et al., 2014). The I337T variant was not observed in approximately 6,500 individuals of European and African American ancestry in the NHLBI Exome Sequencing Project, indicating it is not a common benign variant in these populations. The I337T variant is a non-conservative amino acid substitution, which is likely to impact secondary protein structure as these residues differ in polarity, charge, size and/or other properties. This substitution occurs at a position where amino acids with similar properties to Isoleucine are tolerated across species. In silico analysis is inconsistent in its predictions as to whether or not the variant is damaging to the protein structure/function. The I337T variant is a strong candidate for a pathogenic variant.

NM_005677.4(COLQ):c.1010T>C (p.Ile337Thr)

Gene: COLQ (collagen like tail subunit of asymmetric acetylcholinesterase; minus strand). Cytogenetic location: 3p25.1.
Variant type: single nucleotide variant.
Coding change: c.1010T>C on transcript NM_005677.4 (MANE Select); coding-DNA position 1010, T replaced by C.
Protein change: p.Ile337Thr; replaces isoleucine 337 with threonine.
Molecular consequence: missense variant.
Genome position (GRCh38, 1-based): chr3:15,456,524, A>G on the plus strand (T>C on the coding strand, the complement: COLQ is on the minus strand). VCF-style: chr3-15456524-A-G. GRCh37 (hg19) VCF-style: chr3-15498031-A-G.
Other names: c.980T>C, p.Ile327Thr (NM_080538.2); c.908T>C, p.Ile303Thr (NM_080539.4); short protein forms I337T, I303T, I327T.
Identifiers: ClinVar variation 381726 (VCV000381726.2), dbSNP rs1057521153, ClinGen allele CA16604386.